The following is an entry in ClinVar:

ClinVar aggregate classification (germline): Uncertain significance (1 of 4 stars; one submission).

Conditions:
Intellectual developmental disorder, X-linked 1. Also called: Atkin Flaitz Patil Smith syndrome; Intellectual disability, X-linked 1; MENTAL RETARDATION, X-LINKED 18; MENTAL RETARDATION, X-LINKED 78. Identifiers: Orphanet 777, MedGen C2931498, MONDO:0010656, OMIM 309530.

Allele frequency attached by ClinVar (database versions not stated): TOPMed below 0.00001.
gnomAD v4.1: 9 of 1,138,031 alleles (0.00079%); highest among the groups gnomAD compares: Non-Finnish European, 0.001%; no homozygotes.

Submission:

Labcorp Genetics (formerly Invitae), Labcorp
Classification: Uncertain significance for Intellectual developmental disorder, X-linked 1. Last evaluated: 2024-11-18. Review status: criteria provided, single submitter. Criteria: Invitae Variant Classification Sherloc (09022015). Collection method: clinical testing. Allele origin: germline.
Comment: This sequence change replaces proline, which is neutral and non-polar, with serine, which is neutral and polar, at codon 1351 of the IQSEC2 protein (p.Pro1351Ser). This variant is not present in population databases (gnomAD no frequency). This variant has not been reported in the literature in individuals affected with IQSEC2-related conditions. ClinVar contains an entry for this variant (Variation ID: 1009069). Invitae Evidence Modeling of protein sequence and biophysical properties (such as structural, functional, and spatial information, amino acid conservation, physicochemical variation, residue mobility, and thermodynamic stability) indicates that this missense variant is not expected to disrupt IQSEC2 protein function with a negative predictive value of 95%. In summary, the available evidence is currently insufficient to determine the role of this variant in disease. Therefore, it has been classified as a Variant of Uncertain Significance.

NM_001111125.3(IQSEC2):c.4051C>T (p.Pro1351Ser)

Gene: IQSEC2 (IQ motif and Sec7 domain ArfGEF 2; minus strand). Cytogenetic location: Xp11.22.
Variant type: single nucleotide variant.
Coding change: c.4051C>T on transcript NM_001111125.3 (MANE Select); coding-DNA position 4051, C replaced by T.
Protein change: p.Pro1351Ser; replaces proline 1351 with serine.
Molecular consequence: missense variant. On other transcripts: 3 prime UTR variant (1).
Genome position (GRCh38, 1-based): chrX:53,234,635, G>A on the plus strand (C>T on the coding strand, the complement: IQSEC2 is on the minus strand). VCF-style: chrX-53234635-G-A. GRCh37 (hg19) VCF-style: chrX-53263817-G-A.
Other names: c.*536C>T (NM_015075.2); short protein forms P1351S.
Identifiers: ClinVar variation 1009069 (VCV001009069.9), dbSNP rs1033962543, ClinGen allele CA329162004.